The following is an entry in ClinVar:

ClinVar aggregate classification (germline): Uncertain significance. Review status: reviewed by expert panel (3 of 4 stars). 2 submissions from 2 submitters: Uncertain significance (1). 1 of the submissions does not count toward it. Last evaluated 2025-02-25.

Conditions:
Hereditary thrombocytopenia and hematologic cancer predisposition syndrome. Identifiers: Orphanet 71290, MedGen CN281654, MONDO:0011071.

Submissions (2):

ClinGen Myeloid Malignancy Variant Curation Expert Panel
Classification: Uncertain significance for Hereditary thrombocytopenia and hematologic cancer predisposition syndrome. Last evaluated: 2025-02-25. Review status: reviewed by expert panel. Criteria: ClinGen MyeloMalig ACMG Specifications v2. Collection method: curation. Allele origin: germline. Inheritance: Autosomal dominant inheritance.
Comment: NM_001754.5(RUNX1):c.1310C>G (p.Thr437Ser) is a missense variant that has a REVEL score < 0.50 (0.193) and a SpliceAI score ≤ 0.20 (0.0) (BP4). This variant is completely absent from all population databases with at least 20x coverage for RUNX1 (PM2_Supporting). In summary, the clinical significance of this variant is uncertain. ACMG/AMP criteria applied, as specified by the Myeloid Malignancy Variant Curation Expert Panel for RUNX1: PM2_Supporting, BP4

GeneDx
Classification: Uncertain significance. Last evaluated: 2024-03-08. Review status: criteria provided, single submitter. Criteria: GeneDx Variant Classification Process June 2021. Collection method: clinical testing. Allele origin: germline. Affected: yes. Not counted in ClinVar's aggregate classification.
Comment: Not observed at significant frequency in large population cohorts (gnomAD); In silico analysis supports that this missense variant does not alter protein structure/function; Has not been previously published as pathogenic or benign to our knowledge

NM_001754.5(RUNX1):c.1310C>G (p.Thr437Ser)

Gene: RUNX1 (RUNX family transcription factor 1; minus strand). Cytogenetic location: 21q22.12.
Variant type: single nucleotide variant.
Coding change: c.1310C>G on transcript NM_001754.5 (MANE Select); coding-DNA position 1310, C replaced by G.
Protein change: p.Thr437Ser; replaces threonine 437 with serine.
Molecular consequence: missense variant.
Genome position (GRCh38, 1-based): chr21:34,792,268, G>C on the plus strand (C>G on the coding strand, the complement: RUNX1 is on the minus strand). VCF-style: chr21-34792268-G-C. GRCh37 (hg19) VCF-style: chr21-36164565-G-C.
Other names: NM_001754.5(RUNX1):c.1310C>G; p.Thr437Ser; c.1229C>G, p.Thr410Ser (NM_001001890.3); short protein forms T410S, T437S.
Identifiers: ClinVar variation 3370796 (VCV003370796.2).